The following is an entry in ClinVar:

NM_001384474.1(LOXHD1):c.2431C>T (p.Gln811Ter)

Gene: LOXHD1 (lipoxygenase homology PLAT domains 1; minus strand). Cytogenetic location: 18q21.1.
Variant type: single nucleotide variant.
Coding change: c.2431C>T on transcript NM_001384474.1 (MANE Select); coding-DNA position 2431, C replaced by T.
Protein change: p.Gln811Ter; replaces glutamine 811 with a stop codon.
Molecular consequence: nonsense.
Genome position (GRCh38, 1-based): chr18:46,566,263, G>A on the plus strand (C>T on the coding strand, the complement: LOXHD1 is on the minus strand). VCF-style: chr18-46566263-G-A. GRCh37 (hg19) VCF-style: chr18-44146226-G-A.
Other names: c.2431C>T, p.Gln811Ter (NM_144612.7); c.2431C>T (NM_144612.6); short protein forms Q811*.
Identifiers: ClinVar variation 1441979 (VCV001441979.7), dbSNP rs2144059286, ClinGen allele CA402373628.
Genomic context (GRCh38, chr18:46,566,263, plus strand): 5'-AGCCCCATCCCCCATGGGAAACAATGGGTGGTCCCACCACAGCCTCCTCCATACATTTCT[G>A]GATCTCCACCACCTCGCTGGGATACAGCTCCACCTCCAGGCGCCCGTCAGCCTGGTTCTT-3'

ClinVar aggregate classification (germline): Pathogenic/Likely pathogenic. Review status: criteria provided, multiple submitters, no conflicts (2 of 4 stars). 2 submissions from 2 submitters: Pathogenic (1); Likely pathogenic (1). Last evaluated 2025-12-22.

Conditions:
Autosomal recessive nonsyndromic hearing loss 77. Identifiers: Orphanet 90636, MedGen C2746083, MONDO:0013119, OMIM 613079.

Submissions (2):

Natera, Inc.
Classification: Likely pathogenic for Autosomal recessive deafness type 77. Last evaluated: 2025-12-22. Review status: criteria provided, single submitter. Criteria: Natera Variant Classification Schema (03/2026). Collection method: clinical testing. Allele origin: germline.
Comment: The c.2431C>T variant in LOXHD1 is a nonsense variant predicted to introduce a stop codon at amino acid 811. This variant is expected to result in nonsense mediated decay, truncation, or a dysfunctional protein product. This variant is rare in the general population with a frequency below the threshold expected for the associated phenotype(s). Given the available evidence, this variant is classified as Likely Pathogenic.

Labcorp Genetics (formerly Invitae), Labcorp
Classification: Pathogenic. Last evaluated: 2021-11-07. Review status: criteria provided, single submitter. Criteria: Invitae Variant Classification Sherloc (09022015). Collection method: clinical testing. Allele origin: germline.
Comment: This sequence change creates a premature translational stop signal (p.Gln811*) in the LOXHD1 gene. It is expected to result in an absent or disrupted protein product. Loss-of-function variants in LOXHD1 are known to be pathogenic (PMID: 19732867, 21465660, 25792669). This variant is not present in population databases (gnomAD no frequency). This variant has not been reported in the literature in individuals affected with LOXHD1-related conditions. For these reasons, this variant has been classified as Pathogenic.

Literature cited by the submitters: PubMed 19732867 (cited by Labcorp Genetics (formerly Invitae), Labcorp); PubMed 21465660 (cited by Labcorp Genetics (formerly Invitae), Labcorp); PubMed 25792669 (cited by Labcorp Genetics (formerly Invitae), Labcorp).